The following is an entry in ClinVar:

ClinVar aggregate classification (germline): Uncertain significance (1 of 4 stars; one submission).

Conditions:
Developmental and epileptic encephalopathy, 9 (DEE9). Also called: Early infantile epileptic encephalopathy 9; EPILEPSY, FEMALE-RESTRICTED, WITH MENTAL RETARDATION; JUBERG-HELLMAN SYNDROME; PCDH19-Related X-Linked Female-Limited Epilepsy with Mental Retardation. Identifiers: Orphanet 101039, Orphanet 2076, MedGen C1848137, MONDO:0010246, OMIM 300088. Disease mechanism: loss of function.

Submission:

Labcorp Genetics (formerly Invitae), Labcorp
Classification: Uncertain significance for Developmental and epileptic encephalopathy, 9. Last evaluated: 2025-11-17. Review status: criteria provided, single submitter. Criteria: Invitae Variant Classification Sherloc (09022015). Collection method: clinical testing. Allele origin: germline.
Comment: This sequence change replaces valine, which is neutral and non-polar, with phenylalanine, which is neutral and non-polar, at codon 742 of the PCDH19 protein (p.Val742Phe). This variant is not present in population databases (gnomAD no frequency). This variant has not been reported in the literature in individuals affected with PCDH19-related conditions. Invitae Evidence Modeling of protein sequence and biophysical properties (such as structural, functional, and spatial information, amino acid conservation, physicochemical variation, residue mobility, and thermodynamic stability) indicates that this missense variant is not expected to disrupt PCDH19 protein function with a negative predictive value of 95%. In summary, the available evidence is currently insufficient to determine the role of this variant in disease. Therefore, it has been classified as a Variant of Uncertain Significance.

NM_001184880.2(PCDH19):c.2224G>T (p.Val742Phe)

Gene: PCDH19 (protocadherin 19; minus strand). Cytogenetic location: Xq22.1.
Variant type: single nucleotide variant.
Coding change: c.2224G>T on transcript NM_001184880.2 (MANE Select); coding-DNA position 2224, G replaced by T.
Protein change: p.Val742Phe; replaces valine 742 with phenylalanine.
Molecular consequence: missense variant. On other transcripts: intron variant (2).
Genome position (GRCh38, 1-based): chrX:100,403,588, C>A on the plus strand (G>T on the coding strand, the complement: PCDH19 is on the minus strand). VCF-style: chrX-100403588-C-A. GRCh37 (hg19) VCF-style: chrX-99658586-C-A.
Other names: c.2148-737G>T (NM_020766.3, NM_001105243.2); short protein forms V742F.
Identifiers: ClinVar variation 4777682 (VCV004777682.1).